The following is an entry in ClinVar:

NM_001329943.3(KIAA0586):c.322G>A (p.Glu108Lys)

Gene: KIAA0586 (KIAA0586; plus strand). Cytogenetic location: 14q23.1.
Variant type: single nucleotide variant.
Coding change: c.322G>A on transcript NM_001329943.3 (MANE Select); coding-DNA position 322, G replaced by A.
Protein change: p.Glu108Lys; replaces glutamic acid 108 with lysine.
Molecular consequence: missense variant.
Genome position (GRCh38, 1-based): chr14:58,430,699, G>A. VCF-style: chr14-58430699-G-A. GRCh37 (hg19) VCF-style: chr14-58897417-G-A.
Other names: c.358G>A, p.Glu120Lys (NM_001244189.2); c.277G>A, p.Glu93Lys (NM_001244190.2); c.67G>A, p.Glu23Lys (NM_001244191.2, NM_001244192.2, NM_001329945.2 and 2 more transcripts); c.322G>A, p.Glu108Lys (NM_001329944.2, NM_001329946.2, NM_001329947.2 and 1 more transcripts); short protein forms E93K, E108K, E120K, E23K.
Identifiers: ClinVar variation 2114108 (VCV002114108.4), dbSNP rs2542481895, ClinGen allele CA389859625.
Genomic context (GRCh38, chr14:58,430,699, plus strand): 5'-ATCCCAAAGGATTTTTCTAAAGACGTTGCAGTGCAAGTGTTGCCTTTGGATAAAATAGAA[G>A]AGAACAACAAGCAAAAAGGTAAAAGAATAATATTGATTTTTTTAAATTGTGACAACATAT-3'
Protein context (NP_001316872.1, residues 98-118): VQVLPLDKIE[Glu108Lys]NNKQKANDIF

ClinVar aggregate classification (germline): Uncertain significance (1 of 4 stars; one submission).

Conditions:
Joubert syndrome 23 (JBTS23). Identifiers: Orphanet 475, MedGen C4084822, MONDO:0014664, OMIM 616490.
Short-rib thoracic dysplasia 14 with polydactyly (SRTD14). Identifiers: Orphanet 397715, MedGen C4225286, MONDO:0014688, OMIM 616546.

Submission:

Labcorp Genetics (formerly Invitae), Labcorp
Classification: Uncertain significance for Joubert syndrome 23; Short-rib thoracic dysplasia 14 with polydactyly. Last evaluated: 2022-03-19. Review status: criteria provided, single submitter. Criteria: Invitae Variant Classification Sherloc (09022015). Collection method: clinical testing. Allele origin: germline.
Comment: In summary, the available evidence is currently insufficient to determine the role of this variant in disease. Therefore, it has been classified as a Variant of Uncertain Significance. Algorithms developed to predict the effect of missense changes on protein structure and function are either unavailable or do not agree on the potential impact of this missense change (SIFT: "Deleterious"; PolyPhen-2: "Possibly Damaging"; Align-GVGD: "Class C0"). This sequence change replaces glutamic acid, which is acidic and polar, with lysine, which is basic and polar, at codon 120 of the KIAA0586 protein (p.Glu120Lys). This variant is not present in population databases (gnomAD no frequency). This variant has not been reported in the literature in individuals affected with KIAA0586-related conditions.